The following is an entry in ClinVar:

NM_030665.4(RAI1):c.687T>C (p.Gly229=)

Gene: RAI1 (retinoic acid induced 1; plus strand). Cytogenetic location: 17p11.2.
Variant type: single nucleotide variant.
Coding change: c.687T>C on transcript NM_030665.4 (MANE Select); coding-DNA position 687, T replaced by C.
Protein change: p.Gly229=; no amino-acid change (glycine 229 retained).
Molecular consequence: synonymous variant.
Genome position (GRCh38, 1-based): chr17:17,793,635, T>C. VCF-style: chr17-17793635-T-C. GRCh37 (hg19) VCF-style: chr17-17696949-T-C.
Other names: c.687T>C (NM_030665.3).
Identifiers: ClinVar variation 1335260 (VCV001335260.37), dbSNP rs1189500471, ClinGen allele CA498422611.

ClinVar aggregate classification (germline): Likely benign. Review status: criteria provided, multiple submitters, no conflicts (2 of 4 stars). 3 submissions from 3 submitters: Likely benign (2). 1 of the submissions does not count toward it. Last evaluated 2024-08-28.

Conditions:
RAI1-related disorder. Also called: RAI1-related condition.

Allele frequency attached by ClinVar (database versions not stated): gnomAD exomes below 0.00001 and 0.00001; TOPMed 0.00001.
gnomAD v4.1: 5 of 1,613,258 alleles (0.00031%); highest among the groups gnomAD compares: Non-Finnish European, 0.00042%; no homozygotes.

Submissions (3):

Labcorp Genetics (formerly Invitae), Labcorp
Classification: Likely benign. Last evaluated: 2024-08-28. Review status: criteria provided, single submitter. Criteria: Invitae Variant Classification Sherloc (09022015). Collection method: clinical testing. Allele origin: germline.

CeGaT Center for Human Genetics Tuebingen
Classification: Likely benign. Last evaluated: 2021-11-01. Review status: criteria provided, single submitter. Criteria: CeGaT Center For Human Genetics Tuebingen Variant Classification Criteria Version 2. Collection method: clinical testing. Allele origin: germline. Affected: yes. Observed: 1 variant allele.

PreventionGenetics, part of Exact Sciences
Classification: Likely benign for RAI1-related condition. Last evaluated: 2024-04-10. Review status: no assertion criteria provided. Collection method: clinical testing. Allele origin: germline. Not counted in ClinVar's aggregate classification.
Comment: This variant is classified as likely benign based on ACMG/AMP sequence variant interpretation guidelines (Richards et al. 2015 PMID: 25741868, with internal and published modifications).